The following is an entry in ClinVar:

NM_000824.5(GLRB):c.1037A>G (p.Glu346Gly)

Gene: GLRB (glycine receptor beta; plus strand). Cytogenetic location: 4q32.1.
Variant type: single nucleotide variant.
Coding change: c.1037A>G on transcript NM_000824.5 (MANE Select); coding-DNA position 1037, A replaced by G.
Protein change: p.Glu346Gly; replaces glutamic acid 346 with glycine.
Molecular consequence: missense variant. On other transcripts: intron variant (1).
Genome position (GRCh38, 1-based): chr4:157,152,850, A>G. VCF-style: chr4-157152850-A-G. GRCh37 (hg19) VCF-style: chr4-158074002-A-G.
Other names: c.1037A>G, p.Glu346Gly (NM_001166060.2); c.904+8891A>G (NM_001166061.2); short protein forms E346G.
Identifiers: ClinVar variation 347926 (VCV000347926.8), dbSNP rs758939135, ClinGen allele CA3119930.

ClinVar aggregate classification (germline): Uncertain significance. Review status: criteria provided, multiple submitters, no conflicts (2 of 4 stars). 2 submissions from 2 submitters: Uncertain significance (2). Last evaluated 2023-07-17.

Conditions:
Hyperekplexia 2 (HKPX2). Identifiers: Orphanet 3197, MedGen C3553291, MONDO:0013828, OMIM 614619.

Allele frequency attached by ClinVar (database versions not stated): gnomAD exomes below 0.00001; TOPMed below 0.00001; ExAC 0.00001; gnomAD 0.00001.
gnomAD v4.1: 18 of 1,613,896 alleles (0.0011%); highest among the groups gnomAD compares: Non-Finnish European, 0.0015%; no homozygotes.

Submissions (2):

Labcorp Genetics (formerly Invitae), Labcorp
Classification: Uncertain significance for Hyperekplexia 2. Last evaluated: 2023-07-17. Review status: criteria provided, single submitter. Criteria: Invitae Variant Classification Sherloc (09022015). Collection method: clinical testing. Allele origin: germline.
Comment: In summary, the available evidence is currently insufficient to determine the role of this variant in disease. Therefore, it has been classified as a Variant of Uncertain Significance. Algorithms developed to predict the effect of sequence changes on RNA splicing suggest that this variant may create or strengthen a splice site. Advanced modeling of protein sequence and biophysical properties (such as structural, functional, and spatial information, amino acid conservation, physicochemical variation, residue mobility, and thermodynamic stability) performed at Invitae indicates that this missense variant is expected to disrupt GLRB protein function. ClinVar contains an entry for this variant (Variation ID: 347926). This variant has not been reported in the literature in individuals affected with GLRB-related conditions. This variant is not present in population databases (gnomAD no frequency). This sequence change replaces glutamic acid, which is acidic and polar, with glycine, which is neutral and non-polar, at codon 346 of the GLRB protein (p.Glu346Gly).

Illumina Laboratory Services, Illumina
Classification: Uncertain significance for Hyperekplexia 2. Last evaluated: 2018-01-12. Review status: criteria provided, single submitter. Criteria: ICSL Variant Classification Criteria 13 December 2019. Collection method: clinical testing. Allele origin: germline.